The following is an entry in ClinVar:

NM_001126108.2(SLC12A3):c.670G>A (p.Ala224Thr)

Gene: SLC12A3 (solute carrier family 12 member 3; plus strand). Cytogenetic location: 16q13.
Variant type: single nucleotide variant.
Coding change: c.670G>A on transcript NM_001126108.2 (MANE Select); coding-DNA position 670, G replaced by A.
Protein change: p.Ala224Thr; replaces alanine 224 with threonine.
Molecular consequence: missense variant.
Genome position (GRCh38, 1-based): chr16:56,870,164, G>A. VCF-style: chr16-56870164-G-A. GRCh37 (hg19) VCF-style: chr16-56904076-G-A.
Other names: c.670G>A, p.Ala224Thr (NM_000339.3); c.667G>A, p.Ala223Thr (NM_001126107.2, NM_001410896.1); short protein forms A224T, A223T.
Identifiers: ClinVar variation 2141423 (VCV002141423.1), dbSNP rs201727970, ClinGen allele CA8069139.

ClinVar aggregate classification (germline): Uncertain significance (1 of 4 stars; one submission).

Allele frequency attached by ClinVar (database versions not stated): gnomAD 0.00002; TOPMed 0.00003; ExAC 0.00008; 1000 Genomes Project 30x 0.00031; 1000 Genomes Project 0.00040.
gnomAD v4.1: 56 of 1,614,046 alleles (0.0035%); highest among the groups gnomAD compares: South Asian, 0.038%; 1 homozygote.

Submission:

Labcorp Genetics (formerly Invitae), Labcorp
Classification: Uncertain significance. Last evaluated: 2022-02-19. Review status: criteria provided, single submitter. Criteria: Invitae Variant Classification Sherloc (09022015). Collection method: clinical testing. Allele origin: germline.
Comment: This sequence change replaces alanine, which is neutral and non-polar, with threonine, which is neutral and polar, at codon 224 of the SLC12A3 protein (p.Ala224Thr). This variant is present in population databases (rs201727970, gnomAD 0.04%). This variant has not been reported in the literature in individuals affected with SLC12A3-related conditions. Advanced modeling of protein sequence and biophysical properties (such as structural, functional, and spatial information, amino acid conservation, physicochemical variation, residue mobility, and thermodynamic stability) performed at Invitae indicates that this missense variant is not expected to disrupt SLC12A3 protein function. In summary, the available evidence is currently insufficient to determine the role of this variant in disease. Therefore, it has been classified as a Variant of Uncertain Significance.